The following is an entry in ClinVar:

NM_020863.4(ZFAT):c.981C>T (p.Ala327=)

Gene: ZFAT (zinc finger and AT-hook domain containing; minus strand). Cytogenetic location: 8q24.22.
Variant type: single nucleotide variant.
Coding change: c.981C>T on transcript NM_020863.4 (MANE Select); coding-DNA position 981, C replaced by T.
Protein change: p.Ala327=; no amino-acid change (alanine 327 retained).
Molecular consequence: synonymous variant. On other transcripts: non-coding transcript variant (1).
Genome position (GRCh38, 1-based): chr8:134,602,738, G>A on the plus strand (C>T on the coding strand, the complement: ZFAT is on the minus strand). VCF-style: chr8-134602738-G-A. GRCh37 (hg19) VCF-style: chr8-135614981-G-A.
Other names: c.945C>T, p.Ala315= (NM_001029939.4, NM_001167583.3, NM_001174158.2 and 1 more transcripts); c.795C>T, p.Ala265= (NM_001174157.2).
Identifiers: ClinVar variation 2658846 (VCV002658846.24), dbSNP rs376719916, ClinGen allele CA4888131.

ClinVar aggregate classification (germline): Likely benign (1 of 4 stars; one submission).

Allele frequency attached by ClinVar (database versions not stated): ExAC 0.00008; ESP Exome Variant Server 0.00024; TOPMed 0.00034; gnomAD 0.00037; 1000 Genomes Project 30x 0.00078; 1000 Genomes Project 0.00100.
gnomAD v4.1: 120 of 1,613,748 alleles (0.0074%); highest among the groups gnomAD compares: African/African-American, 0.15%; no homozygotes.

Submission:

CeGaT Center for Human Genetics Tuebingen
Classification: Likely benign. Last evaluated: 2022-03-01. Review status: criteria provided, single submitter. Criteria: CeGaT Center For Human Genetics Tuebingen Variant Classification Criteria Version 2. Collection method: clinical testing. Allele origin: germline. Affected: yes. Observed: 1 variant allele.
Comment: ZFAT: BP4, BP7